The following is an entry in ClinVar:

ClinVar aggregate classification (germline): Uncertain significance (1 of 4 stars; one submission).

Conditions:
Hereditary cancer-predisposing syndrome. Also called: Tumor predisposition; Neoplastic Syndromes, Hereditary; Hereditary Cancer Syndrome; Hereditary neoplastic syndrome. Identifiers: Orphanet 140162, MedGen C0027672, MeSH D009386, MONDO:0015356.

Submission:

Ambry Genetics
Classification: Uncertain significance for Hereditary cancer-predisposing syndrome. Last evaluated: 2025-03-06. Review status: criteria provided, single submitter. Criteria: Ambry Variant Classification Scheme 2023. Collection method: clinical testing. Allele origin: germline.
Comment: The p.G1035S variant (also known as c.3103G>A), located in coding exon 21 of the PDGFRA gene, results from a G to A substitution at nucleotide position 3103. The glycine at codon 1035 is replaced by serine, an amino acid with similar properties. This amino acid position is conserved. In addition, this alteration is predicted to be tolerated by in silico analysis. Based on the available evidence, the clinical significance of this variant remains unclear.

NM_006206.6(PDGFRA):c.3103G>A (p.Gly1035Ser)

Gene: PDGFRA (platelet derived growth factor receptor alpha; plus strand). Cytogenetic location: 4q12.
Variant type: single nucleotide variant.
Coding change: c.3103G>A on transcript NM_006206.6 (MANE Select); coding-DNA position 3103, G replaced by A.
Protein change: p.Gly1035Ser; replaces glycine 1035 with serine.
Molecular consequence: missense variant.
Genome position (GRCh38, 1-based): chr4:54,290,535, G>A. VCF-style: chr4-54290535-G-A. GRCh37 (hg19) VCF-style: chr4-55156702-G-A.
Other names: c.3178G>A, p.Gly1060Ser (NM_001347828.2); c.3103G>A, p.Gly1035Ser (NM_001347829.2); c.3142G>A, p.Gly1048Ser (NM_001347830.2); short protein forms G1035S, G1060S, G1048S.
Identifiers: ClinVar variation 3887375 (VCV003887375.1).